The following is an entry in ClinVar:

ClinVar aggregate classification (germline): Uncertain significance (1 of 4 stars; one submission).

Submission:

Ambry Genetics
Classification: Uncertain significance. Last evaluated: 2022-08-22. Review status: criteria provided, single submitter. Criteria: Ambry Variant Classification Scheme 2023. Collection method: clinical testing. Allele origin: germline.
Comment: The p.P850T variant (also known as c.2548C>A), located in coding exon 1 of the MLH3 gene, results from a C to A substitution at nucleotide position 2548. The proline at codon 850 is replaced by threonine, an amino acid with highly similar properties. This amino acid position is conserved. In addition, the in silico prediction for this alteration is inconclusive. Since supporting evidence is limited at this time, the clinical significance of this alteration remains unclear.

NM_001040108.2(MLH3):c.2548C>A (p.Pro850Thr)

Gene: MLH3 (mutL homolog 3; minus strand). Cytogenetic location: 14q24.3.
Variant type: single nucleotide variant.
Coding change: c.2548C>A on transcript NM_001040108.2 (MANE Select); coding-DNA position 2548, C replaced by A.
Protein change: p.Pro850Thr; replaces proline 850 with threonine.
Molecular consequence: missense variant.
Genome position (GRCh38, 1-based): chr14:75,047,108, G>T on the plus strand (C>A on the coding strand, the complement: MLH3 is on the minus strand). VCF-style: chr14-75047108-G-T. GRCh37 (hg19) VCF-style: chr14-75513811-G-T.
Other names: c.2548C>A, p.Pro850Thr (NM_014381.3); short protein forms P850T.
Identifiers: ClinVar variation 1792899 (VCV001792899.2), dbSNP rs575583330, ClinGen allele CA390439909.
Genomic context (GRCh38, chr14:75,047,108, plus strand): 5'-ATGACTTCTCAAGGTCCAAAGGTTTTCTATTAAAGAGAGATAACTCCTTCAGGGTCATAG[G>T]ACTTTCTCTCAAACTAGGCATCTGTTGTTCTAAACAATCTTCATCCTTGGAGAATGGAAA-3'
Protein context (NP_001035197.1, residues 840-860): EQQMPSLRES[Pro850Thr]MTLKELSLFN